The following is an entry in ClinVar:

NM_004364.5(CEBPA):c.179C>A (p.Thr60Lys)

Gene: CEBPA (CCAAT enhancer binding protein alpha; minus strand). Cytogenetic location: 19q13.11.
Variant type: single nucleotide variant.
Coding change: c.179C>A on transcript NM_004364.5 (MANE Select); coding-DNA position 179, C replaced by A.
Protein change: p.Thr60Lys; replaces threonine 60 with lysine.
Molecular consequence: missense variant. On other transcripts: 5 prime UTR variant (1).
Genome position (GRCh38, 1-based): chr19:33,302,236, G>T on the plus strand (C>A on the coding strand, the complement: CEBPA is on the minus strand). VCF-style: chr19-33302236-G-T. GRCh37 (hg19) VCF-style: chr19-33793142-G-T.
Other names: c.-179C>A (NM_001285829.2); c.284C>A, p.Thr95Lys (NM_001287424.2); c.137C>A, p.Thr46Lys (NM_001287435.2); short protein forms T46K, T60K, T95K.
Identifiers: ClinVar variation 4868671 (VCV004868671.1).

ClinVar aggregate classification (germline): Uncertain significance (1 of 4 stars; one submission).

Conditions:
Inborn genetic diseases. Identifiers: MedGen C0950123, MeSH D030342.

Submission:

Ambry Genetics
Classification: Uncertain significance for Inborn genetic diseases. Last evaluated: 2026-04-11. Review status: criteria provided, single submitter. Criteria: Ambry Variant Classification Scheme 2023. Collection method: clinical testing. Allele origin: germline.
Comment: The p.T60K variant (also known as c.179C>A), located in coding exon 1 of the CEBPA gene, results from a C to A substitution at nucleotide position 179. The threonine at codon 60 is replaced by lysine, an amino acid with similar properties. This amino acid position is conserved. In addition, this alteration is predicted to be tolerated by in silico analysis. Based on the available evidence, the clinical significance of this variant remains unclear.